The following is an entry in ClinVar:

NM_000059.4(BRCA2):c.6864dup (p.Leu2290fs)

Gene: BRCA2 (BRCA2 DNA repair associated; plus strand). Cytogenetic location: 13q13.1.
Variant type: Duplication.
Coding change: c.6864dup on transcript NM_000059.4 (MANE Select); coding-DNA position 6864, one base duplicated (C; older notation c.6864dupC).
Protein change: p.Leu2290fs; shifts the reading frame from leucine 2290.
Molecular consequence: frameshift variant.
Genome position (GRCh38, 1-based): chr13:32,344,580, C duplicated. VCF-style (leftmost placement, unchanged base first): chr13-32344579-A-AC. GRCh37 (hg19) VCF-style: chr13-32918716-A-AC.
Other names: c.6864dup, p.Leu2290Ilefs (NM_001406720.1); c.1932dup, p.Leu646Ilefs (NM_001406721.1); c.447dup, p.Leu151Ilefs (NM_001406722.1); short protein forms L2290fs.
Identifiers: ClinVar variation 2029060 (VCV002029060.6), dbSNP rs2548535973, ClinGen allele CA2580088080.
Genomic context (GRCh38, chr13:32,344,579, plus strand): 5'-TATTTGCCTTAAAAACATATATGAAATATTTCTTTTTAGGAGAACCCTCAATCAAAAGAA[A>AC]CTTATTAAATGAATTTGACAGGATAATAGAAAATCAAGAAAAATCCTTAAAGGCTTCAAA-3'

ClinVar aggregate classification (germline): Pathogenic/Likely pathogenic. Review status: criteria provided, multiple submitters, no conflicts (2 of 4 stars). 2 submissions from 2 submitters: Pathogenic (1); Likely pathogenic (1). Last evaluated 2023-04-07.

Conditions:
Hereditary cancer-predisposing syndrome. Also called: Hereditary Cancer Syndrome; Tumor predisposition; Neoplastic Syndromes, Hereditary; Hereditary neoplastic syndrome. Identifiers: Orphanet 140162, MedGen C0027672, MeSH D009386, MONDO:0015356.
Hereditary breast ovarian cancer syndrome. Also called: BRCA1- and BRCA2-Associated Hereditary Breast and Ovarian Cancer; Hereditary breast and ovarian cancer; Hereditary breast and ovarian cancer syndrome (HBOC); Breast and ovarian cancer; Hereditary breast and ovarian cancer syndrome; Hereditary breast and/or ovarian cancer syndrome. Identifiers: Orphanet 145, MedGen C0677776, MeSH D061325, MONDO:0003582. Disease mechanism: loss of function.

Submissions (2):

Labcorp Genetics (formerly Invitae), Labcorp
Classification: Pathogenic for Hereditary breast ovarian cancer syndrome. Last evaluated: 2023-04-07. Review status: criteria provided, single submitter. Criteria: Invitae Variant Classification Sherloc (09022015). Collection method: clinical testing. Allele origin: germline.
Comment: For these reasons, this variant has been classified as Pathogenic. ClinVar contains an entry for this variant (Variation ID: 2029060). This variant has not been reported in the literature in individuals affected with BRCA2-related conditions. This variant is not present in population databases (gnomAD no frequency). This sequence change creates a premature translational stop signal (p.Leu2290Ilefs*3) in the BRCA2 gene. It is expected to result in an absent or disrupted protein product. Loss-of-function variants in BRCA2 are known to be pathogenic (PMID: 20104584).

Color Diagnostics, LLC DBA Color Health
Classification: Likely pathogenic for Hereditary cancer-predisposing syndrome. Last evaluated: 2022-02-14. Review status: criteria provided, single submitter. Criteria: ACMG Guidelines, 2015. Collection method: clinical testing. Allele origin: germline.
Comment: This variant inserts 1 nucleotide in exon 12 of the BRCA2 gene, creating a frameshift and premature translation stop signal. This variant is expected to result in an absent or non-functional protein product. To our knowledge, this variant has not been reported in individuals affected with hereditary cancer in the literature. This variant has not been identified in the general population by the Genome Aggregation Database (gnomAD). It has been shown that a transcript lacking exon 12 (delEx12) is detected at low levels (10-20%) in healthy individuals (PMID: 19795481, 32046981). This delEx12 transcript has shown varying levels of BRCA2 activity in BRCA2-null mouse embryonic stem cells (PMID: 19795481, 32046981). Of note, two of 11 truncation variants occurring in exon 12 have been shown to increase the delEx12 transcript levels to ~50% of total transcripts in the cells derived from two carriers (PMID: 32046981). However, family studies did not show a correlation of this observation with clinical outcome, and the delEx12 transcript-inducing variants were observed in multiple individuals affected with breast cancer (PMID: 32046981). In summary, limited data suggest that the deleterious effects of certain truncation variants occurring in exon 12 may be alleviated due to the induction of delEx12 transcript. However, the clinical relevance of this observation is not clearly established. Although additional studies are necessary to determine the role of this c.6864dup variant in disease conclusively, the available evidence indicates that this variant is likely to result in the loss of BRCA2 function. Therefore, this variant is classified as Likely Pathogenic.

Literature cited by the submitters: PubMed 20104584 (cited by Labcorp Genetics (formerly Invitae), Labcorp); PubMed 19795481 (cited by Color Diagnostics, LLC DBA Color Health); PubMed 32046981 (cited by Color Diagnostics, LLC DBA Color Health).